The following is an entry in ClinVar:

NM_004463.3(FGD1):c.482-10G>A

Gene: FGD1 (FYVE, RhoGEF and PH domain containing 1; minus strand). Cytogenetic location: Xp11.22.
Variant type: single nucleotide variant.
Coding change: c.482-10G>A on transcript NM_004463.3 (MANE Select); 10 bases into the intron before coding-DNA position 482, G replaced by A.
Molecular consequence: intron variant.
Genome position (GRCh38, 1-based): chrX:54,470,770, C>T on the plus strand (G>A on the coding strand, the complement: FGD1 is on the minus strand). VCF-style: chrX-54470770-C-T. GRCh37 (hg19) VCF-style: chrX-54497203-C-T.
Other names: c.482-10G>A (NM_004463.2).
Identifiers: ClinVar variation 167063 (VCV000167063.12), dbSNP rs146783766, ClinGen allele CA180038.

ClinVar aggregate classification (germline): Benign/Likely benign. Review status: criteria provided, multiple submitters, no conflicts (2 of 4 stars). 4 submissions from 4 submitters: Benign (2); Likely benign (1). 1 of the submissions does not count toward it. Last evaluated 2025-12-14.

Conditions:
FGD1-related disorder. Also called: FGD1-related condition; FGD1-related disorders.

Allele frequency attached by ClinVar (database versions not stated): gnomAD exomes 0.00048 and 0.00071; TOPMed 0.00071; gnomAD 0.00079 and 0.00083; 1000 Genomes Project 30x 0.00125; ExAC 0.00130; 1000 Genomes Project 0.00159.
gnomAD v4.1: 735 of 1,042,493 alleles (0.071%); highest among the groups gnomAD compares: East Asian, 1.9%; 12 homozygotes.

Submissions (4):

Labcorp Genetics (formerly Invitae), Labcorp
Classification: Benign. Last evaluated: 2025-12-14. Review status: criteria provided, single submitter. Criteria: Invitae Variant Classification Sherloc (09022015). Collection method: clinical testing. Allele origin: germline.

Blueprint Genetics
Classification: Likely benign. Last evaluated: 2023-02-10. Review status: criteria provided, single submitter. Criteria: ACMG Guidelines, 2015. Collection method: clinical testing. Allele origin: germline.

Eurofins Ntd Llc (ga)
Classification: Benign. Last evaluated: 2014-03-17. Review status: criteria provided, single submitter. Criteria: EGL Classification Definitions 2015. Collection method: clinical testing. Allele origin: germline. Observed: 1 variant allele, 1 heterozygote.

PreventionGenetics, part of Exact Sciences
Classification: Likely benign for FGD1-related condition. Last evaluated: 2019-08-06. Review status: no assertion criteria provided. Collection method: clinical testing. Allele origin: germline. Not counted in ClinVar's aggregate classification.
Comment: This variant is classified as likely benign based on ACMG/AMP sequence variant interpretation guidelines (Richards et al. 2015 PMID: 25741868, with internal and published modifications).